The following is an entry in ClinVar:

ClinVar aggregate classification (germline): Uncertain significance. Review status: criteria provided, multiple submitters, no conflicts (2 of 4 stars). 2 submissions from 2 submitters: Uncertain significance (2). Last evaluated 2025-03-14.

Allele frequency attached by ClinVar (database versions not stated): ExAC 0.00002; gnomAD exomes 0.00005; TOPMed 0.00006; gnomAD 0.00009.

Submissions (2):

GeneDx
Classification: Uncertain significance. Last evaluated: 2025-03-14. Review status: criteria provided, single submitter. Criteria: GeneDx Variant Classification Process June 2021. Collection method: clinical testing. Allele origin: germline. Affected: yes.
Comment: Has not been previously published in humans as pathogenic or benign to our knowledge; In silico analysis supports that this missense variant has a deleterious effect on protein structure/function; This variant is associated with the following publications: (PMID: 36967672)

Labcorp Genetics (formerly Invitae), Labcorp
Classification: Uncertain significance. Last evaluated: 2022-08-25. Review status: criteria provided, single submitter. Criteria: Invitae Variant Classification Sherloc (09022015). Collection method: clinical testing. Allele origin: germline.
Comment: This sequence change replaces arginine, which is basic and polar, with tryptophan, which is neutral and slightly polar, at codon 152 of the SDR9C7 protein (p.Arg152Trp). In summary, the available evidence is currently insufficient to determine the role of this variant in disease. Therefore, it has been classified as a Variant of Uncertain Significance. Algorithms developed to predict the effect of missense changes on protein structure and function (SIFT, PolyPhen-2, Align-GVGD) all suggest that this variant is likely to be disruptive. This missense change has been observed in individual(s) with clinical features of congenital ichthyosis (Invitae). This variant is present in population databases (rs763791573, gnomAD 0.007%).

NM_148897.3(SDR9C7):c.454C>T (p.Arg152Trp)

Gene: SDR9C7 (short chain dehydrogenase/reductase family 9C member 7; minus strand). Cytogenetic location: 12q13.3.
Variant type: single nucleotide variant.
Coding change: c.454C>T on transcript NM_148897.3 (MANE Select); coding-DNA position 454, C replaced by T.
Protein change: p.Arg152Trp; replaces arginine 152 with tryptophan.
Molecular consequence: missense variant.
Genome position (GRCh38, 1-based): chr12:56,930,332, G>A on the plus strand (C>T on the coding strand, the complement: SDR9C7 is on the minus strand). VCF-style: chr12-56930332-G-A. GRCh37 (hg19) VCF-style: chr12-57324116-G-A.
Other names: c.454C>T (NM_148897.2); short protein forms R152W.
Identifiers: ClinVar variation 2085552 (VCV002085552.4), dbSNP rs763791573, ClinGen allele CA6638160.
Genomic context (GRCh38, chr12:56,930,332, plus strand): 5'-AGCCACCACCAATGACAGCCACACGACCACCAGAGCTGGACATGTTGACAACCCTGCCCC[G>A]GGCTCTCTTGACCATGGGCAGCATGTGAAGGGTCACTTCGATCAGTCCCACCAGGTTCAC-3'
Protein context (NP_683695.1, residues 142-162): LHMLPMVKRA[Arg152Trp]GRVVNMSSSG